The following is an entry in ClinVar:

NM_001130823.3(DNMT1):c.4441G>A (p.Gly1481Ser)

Gene: DNMT1 (DNA methyltransferase 1; minus strand). Cytogenetic location: 19p13.2.
Variant type: single nucleotide variant.
Coding change: c.4441G>A on transcript NM_001130823.3 (MANE Select); coding-DNA position 4441, G replaced by A.
Protein change: p.Gly1481Ser; replaces glycine 1481 with serine.
Molecular consequence: missense variant.
Genome position (GRCh38, 1-based): chr19:10,137,133, C>T on the plus strand (G>A on the coding strand, the complement: DNMT1 is on the minus strand). VCF-style: chr19-10137133-C-T. GRCh37 (hg19) VCF-style: chr19-10247809-C-T.
Other names: c.4393G>A, p.Gly1465Ser (NM_001318730.2, NM_001379.4); c.4078G>A, p.Gly1360Ser (NM_001318731.2); short protein forms G1360S, G1465S, G1481S.
Identifiers: ClinVar variation 1468065 (VCV001468065.8), dbSNP rs1368186167, ClinGen allele CA403969363.

ClinVar aggregate classification (germline): Uncertain significance (1 of 4 stars; one submission).

Conditions:
Hereditary sensory neuropathy-deafness-dementia syndrome. Also called: NEUROPATHY, HEREDITARY SENSORY, WITH HEARING LOSS AND DEMENTIA; Hereditary Sensory and Autonomic Neuropathy Type 1E (HSAN1E); HSN IE; Hereditary sensory neuropathy type IE. Identifiers: Orphanet 456318, MedGen C3279885, MONDO:0013584, OMIM 614116.

Allele frequency attached by ClinVar (database versions not stated): gnomAD exomes below 0.00001; gnomAD 0.00001; TOPMed 0.00002.
gnomAD v4.1: 5 of 1,611,070 alleles (0.00031%); highest among the groups gnomAD compares: African/African-American, 0.0027%; no homozygotes.

Submission:

Labcorp Genetics (formerly Invitae), Labcorp
Classification: Uncertain significance for Hereditary sensory neuropathy-deafness-dementia syndrome. Last evaluated: 2025-06-24. Review status: criteria provided, single submitter. Criteria: Invitae Variant Classification Sherloc (09022015). Collection method: clinical testing. Allele origin: germline.
Comment: This sequence change replaces glycine, which is neutral and non-polar, with serine, which is neutral and polar, at codon 1481 of the DNMT1 protein (p.Gly1481Ser). This variant is not present in population databases (gnomAD no frequency). This variant has not been reported in the literature in individuals affected with DNMT1-related conditions. ClinVar contains an entry for this variant (Variation ID: 1468065). Invitae Evidence Modeling of protein sequence and biophysical properties (such as structural, functional, and spatial information, amino acid conservation, physicochemical variation, residue mobility, and thermodynamic stability) has been performed for this missense variant. However, the output from this modeling did not meet the statistical confidence thresholds required to predict the impact of this variant on DNMT1 protein function. In summary, the available evidence is currently insufficient to determine the role of this variant in disease. Therefore, it has been classified as a Variant of Uncertain Significance.